The following is an entry in ClinVar:

ClinVar aggregate classification (germline): Pathogenic/Likely pathogenic. Review status: criteria provided, multiple submitters, no conflicts (2 of 4 stars). 11 submissions from 11 submitters: Pathogenic (1); Likely pathogenic (9). 1 of the submissions does not count toward it. Last evaluated 2024-11-01.

Conditions:
TTN-related myopathy. Identifiers: MedGen CN294812, MONDO:0100175.
TTN-related disorder. Also called: TTN-related condition; TTN-related disease; TTN-related disorders.
Cardiovascular phenotype. Identifiers: MedGen CN230736.
Dilated cardiomyopathy 1G (CMD1G). Identifiers: Orphanet 154, MedGen C1858763, MONDO:0011400, OMIM 604145.
Autosomal recessive limb-girdle muscular dystrophy type 2J (LGMDR10). Also called: Limb-girdle muscular dystrophy, type 2J; MUSCULAR DYSTROPHY, LIMB-GIRDLE, AUTOSOMAL RECESSIVE 10. Identifiers: Orphanet 140922, MedGen C1837342, MONDO:0012127, OMIM 608807.
Primary dilated cardiomyopathy (DCM). Also called: Dilated Cardiomyopathy. Identifiers: Orphanet 217604, MedGen C0007193, MeSH D002311, MONDO:0005021, HP:0001644. Inheritance: Various modes of inheritance.

Allele frequency attached by ClinVar (database versions not stated): ExAC 0.00001; gnomAD 0.00001; gnomAD exomes 0.00001.

Submissions (11):

Blueprint Genetics
Classification: Likely pathogenic for TTN-related disorders. Last evaluated: 2024-11-01. Review status: criteria provided, single submitter. Criteria: ACMG Guidelines, 2015. Collection method: clinical testing. Allele origin: germline. Affected: yes. Observed: 3 variant alleles.

GeneDx
Classification: Likely pathogenic. Last evaluated: 2024-09-17. Review status: criteria provided, single submitter. Criteria: GeneDx Variant Classification Process June 2021. Collection method: clinical testing. Allele origin: germline. Affected: yes.
Comment: Frameshift variant predicted to result in protein truncation or nonsense mediated decay in a gene for which loss of function is a known mechanism of disease; Located in the M-line region of TTN in which the majority of loss of function variants have been associated with autosomal recessive titinopathies (PMID: 17444505); Not observed at a significant frequency in large population cohorts (gnomAD); Has not been previously published as pathogenic or benign to our knowledge; This variant is associated with the following publications: (PMID: 23975875)

Labcorp Genetics (formerly Invitae), Labcorp
Classification: Likely pathogenic for Dilated cardiomyopathy 1G; Autosomal recessive limb-girdle muscular dystrophy type 2J. Last evaluated: 2023-12-06. Review status: criteria provided, single submitter. Criteria: Invitae Variant Classification Sherloc (09022015). Collection method: clinical testing. Allele origin: germline.
Comment: This sequence change creates a premature translational stop signal (p.Arg34800Lysfs*10) in the TTN gene. While this is not anticipated to result in nonsense mediated decay, it is expected to create a truncated TTN protein. This variant is present in population databases (rs747662439, gnomAD 0.008%). This premature translational stop signal has been observed in individual(s) with clinical features of dilated cardiomyopathy (Invitae). ClinVar contains an entry for this variant (Variation ID: 288119). This variant is located in the M band of TTN (PMID: 25589632). Truncating variants in this region have been previously reported in individuals affected with autosomal recessive myopathy and muscular dystrophy (PMID: 18948003, 23975875, 24395473). Truncating variants in this region have also been identified in individuals affected with autosomal dominant dilated cardiomyopathy and/or cardio-related conditions (PMID: 27869827, 32964742). In summary, the currently available evidence indicates that the variant is pathogenic, but additional data are needed to prove that conclusively. Therefore, this variant has been classified as Likely Pathogenic.

Broad Center for Mendelian Genomics, Broad Institute of MIT and Harvard
Classification: Likely pathogenic for TTN-related myopathy. Last evaluated: 2023-05-02. Review status: criteria provided, single submitter. Criteria: ACMG Guidelines, 2015. Collection method: curation. Allele origin: germline. Inheritance: Autosomal recessive inheritance.
Comment: The heterozygous p.Arg34800LysfsTer10 variant in TTN was identified by our study in two siblings with limb girdle muscular dystrophy. Familial exome analysis revealed that this variant was in trans with a variant of uncertain significance (ClinVar Variation ID: 1678017). The p.Arg34800LysfsTer10 variant in TTN has not been previously reported in individuals with autosomal recessive limb girdle muscular dystrophy 10 but has been identified in 0.004% (1/24756) of European (Finnish) chromosomes by the Genome Aggregation Database (gnomAD; dbSNP ID: rs747662439). Although this variant has been seen in the general population in a heterozygous state, its frequency is low enough to be consistent with a recessive carrier frequency. This variant has also been reported in ClinVar (Variation ID: 288119) and has conflicting interpretations of pathogenicity. This variant is predicted to cause a frameshift, which alters the protein‚Äôs amino acid sequence beginning at position 34800 and leads to a premature termination codon 10 amino acids downstream. This alteration is then predicted to lead to a truncated or absent protein. Loss of function of the TTN gene is an established disease mechanism in autosomal recessive limb girdle muscular dystrophy 10. In summary, although additional studies are required to fully establish its clinical significance, this variant is likely pathogenic for autosomal recessive limb girdle muscular dystrophy 10. ACMG/AMP Criteria applied: PVS1, PM2_Supporting (Richards 2015).

Ambry Genetics
Classification: Likely pathogenic for Cardiovascular phenotype. Last evaluated: 2023-03-24. Review status: criteria provided, single submitter. Criteria: Ambry Variant Classification Scheme 2023. Collection method: clinical testing. Allele origin: germline.
Comment: The c.77204delG variant, located in coding exon 185 of the TTN gene, results from a deletion of one nucleotide at nucleotide position 77204, causing a translational frameshift with a predicted alternate stop codon (p.R25735Kfs*10). This exon is located in the M-band region of the N2-B isoform of the titin protein and is constitutively expressed in TTN transcripts (percent spliced in or PSI 100%). This alteration is expected to result in loss of function by premature protein truncation or nonsense-mediated mRNA decay. While truncating variants in TTN are present in 1-3% of the general population, truncating variants in the M-band have been reported in association with autosomal recessive titinopathies, primarily presenting with skeletal myopathy phenotypes (Ceyhan-Birsoy O et al. Neurology. 2013 Oct 1;81(14):1205-14; De Cid R et al. Neurology. 2015;85(24):2126-35). In addition, regardless of their position, TTN truncating variants encoded in constitutive exons (PSI >90%) have been found to be significantly associated with dilated cardiomyopathy (DCM), though truncating variants in the A-band are the most common cause of DCM (Herman DS et al. N. Engl. J. Med., 2012 Feb;366:619-28; Roberts AM et al. Sci Transl Med, 2015 Jan;7:270ra6; Schafer S et al. Nat. Genet., 2017 01;49:46-53). Based on the majority of available evidence to date, this variant is likely to be pathogenic in association with autosomal recessive titinopathy; however, the clinical significance of this alteration with respect to cardiomyopathy remains unclear.

Clinical Genetics Laboratory, Skane University Hospital Lund
Classification: Likely pathogenic. Last evaluated: 2022-06-08. Review status: criteria provided, single submitter. Criteria: ACMG Guidelines, 2015. Collection method: clinical testing. Allele origin: germline. Affected: yes.

Revvity Omics, Revvity
Classification: Likely pathogenic. Last evaluated: 2020-10-29. Review status: criteria provided, single submitter. Criteria: ACMG Guidelines, 2015. Collection method: clinical testing. Allele origin: germline.

Laboratory for Molecular Medicine, Mass General Brigham Personalized Medicine
Classification: Likely pathogenic for Primary dilated cardiomyopathy. Last evaluated: 2019-01-25. Review status: criteria provided, single submitter. Criteria: ACMG Guidelines, 2015. Collection method: clinical testing. Allele origin: germline.
Comment: The p.Arg32232LysfsX10 variant in TTN has not been reported in individuals with TTN-associated diseases, such as dilated cardiomyopathy and neuromuscular conditions but has been identified in 3/278880 chromosomes by gnomAD. It has been reported by a clinical laboratory in ClinVar (variation ID #504393). This variant is predicted to cause a frameshift, which alters the protein’s amino acid sequence beginning at position 32232 and leads to a premature termination codon 10 amino acids downstream. This alteration is then predicted to lead to a truncated or absent protein. TTN truncating variants located in exons that are highly expressed in the heart are strongly associated with autosomal dominant DCM, particularly if they are located in the A-band (Herman 2012, Pugh 2014, Roberts 2015). In addition, TTN variants have also been associated with myopathies and other neuromuscular conditions, which usually have autosomal recessive inheritance (Savarese 2016). The p.Arg32232LysfsX10 variant is located in a highly expressed exon in the M-band. In summary, although additional studies are required to fully establish its clinical significance, this variant meets criteria to be classified as likely pathogenic for TTN-associated diseases. ACMG/AMP Criteria applied: PVS1, PM2.

Clinical Genetics and Genomics, Karolinska University Hospital
Classification: Pathogenic. Last evaluated: 2017-10-25. Review status: criteria provided, single submitter. Criteria: ACMG Guidelines, 2015. Collection method: clinical testing. Allele origin: germline. Affected: yes. Observed: 3 variant alleles.

Eurofins Ntd Llc (ga)
Classification: Likely pathogenic. Last evaluated: 2016-06-21. Review status: criteria provided, single submitter. Criteria: EGL Classification Definitions 2015. Collection method: clinical testing. Allele origin: germline. Observed: 2 variant alleles, 2 heterozygotes.

Mayo Clinic Laboratories, Mayo Clinic
Classification: Uncertain significance. Last evaluated: 2020-02-14. Review status: flagged submission. Criteria: ACMG Guidelines, 2015. Collection method: clinical testing. Allele origin: germline. Observed: 1 variant allele. Not counted in ClinVar's aggregate classification.
ClinVar note: Reason: Outlier claim with insufficient supporting evidence

Literature cited by the submitters: PubMed 25589632 (cited by Labcorp Genetics (formerly Invitae), Labcorp); PubMed 18948003 (cited by Labcorp Genetics (formerly Invitae), Labcorp); PubMed 23975875 (cited by Labcorp Genetics (formerly Invitae), Labcorp); PubMed 24395473 (cited by Labcorp Genetics (formerly Invitae), Labcorp); PubMed 27869827 (cited by Labcorp Genetics (formerly Invitae), Labcorp); PubMed 32964742 (cited by Labcorp Genetics (formerly Invitae), Labcorp).

NM_001267550.2(TTN):c.104399del (p.Arg34800fs)

Genes: TTN (titin; minus strand), TTN-AS1 (TTN antisense RNA 1; plus strand). Cytogenetic location: 2q31.2.
Variant type: Deletion.
Coding change: c.104399del on transcript NM_001267550.2 (MANE Select); coding-DNA position 104399, one base deleted (G; older notation c.104399delG).
Protein change: p.Arg34800fs; shifts the reading frame from arginine 34800.
Molecular consequence: frameshift variant.
Genome position (GRCh38, 1-based): chr2:178,532,216, C deleted on the plus strand (G on the coding strand, the reverse complement: TTN is on the minus strand). VCF-style (leftmost placement, unchanged base first): chr2-178532215-TC-T. GRCh37 (hg19) VCF-style: chr2-179396942-TC-T.
Other names: NM_001267550.2(TTN):c.104399del; p.Arg34800fs; c.99476del, p.Arg33159fs (NM_001256850.1); c.77204del, p.Arg25735fs (NM_003319.4); c.96695del, p.Arg32232fs (NM_133378.4); c.77579del, p.Arg25860fs (NM_133432.3); c.77780del, p.Arg25927fs (NM_133437.4); c.77204delG (NM_003319.4); and 2 more; short protein forms R25735fs, R25927fs, R33159fs, R25860fs, R32232fs, R34800fs.
Identifiers: ClinVar variation 288119 (VCV000288119.28), dbSNP rs747662439, ClinGen allele CA1985431.